The following is an entry in ClinVar:

NM_025233.7(COASY):c.383C>T (p.Pro128Leu)

Gene: COASY (Coenzyme A synthase; plus strand). Cytogenetic location: 17q21.2.
Variant type: single nucleotide variant.
Coding change: c.383C>T on transcript NM_025233.7 (MANE Select); coding-DNA position 383, C replaced by T.
Protein change: p.Pro128Leu; replaces proline 128 with leucine.
Molecular consequence: missense variant.
Genome position (GRCh38, 1-based): chr17:42,563,005, C>T. VCF-style: chr17-42563005-C-T. GRCh37 (hg19) VCF-style: chr17-40715023-C-T.
Other names: c.383C>T, p.Pro128Leu (NM_001042529.3); c.470C>T, p.Pro157Leu (NM_001042532.4); short protein forms P157L, P128L.
Identifiers: ClinVar variation 2050004 (VCV002050004.4), dbSNP rs754225451, ClinGen allele CA8577969.
Genomic context (GRCh38, chr17:42,563,005, plus strand): 5'-CCCACCCGCCAGAAGTCGTGTTGACAGATTTCCAGACCCTGGATGGAAGCCAGTACAACC[C>T]GGTCAAACAGCAGCTAGTGCGTTACGCCACCAGCTGTTACAGCTGTTGTCCGCGACTGGC-3'
Protein context (NP_079509.5, residues 118-138): FQTLDGSQYN[Pro128Leu]VKQQLVRYAT

ClinVar aggregate classification (germline): Uncertain significance (1 of 4 stars; one submission).

Conditions:
Neurodegeneration with brain iron accumulation 6 (NBIA6). Also called: COASY protein-associated neurodegeneration. Identifiers: Orphanet 397725, MedGen C4517377, MONDO:0014290, OMIM 615643.

Allele frequency attached by ClinVar (database versions not stated): gnomAD 0.00001; TOPMed 0.00003.
gnomAD v4.1: 7 of 1,614,044 alleles (0.00043%); highest among the groups gnomAD compares: East Asian, 0.013%; no homozygotes.

Submission:

Labcorp Genetics (formerly Invitae), Labcorp
Classification: Uncertain significance for Neurodegeneration with brain iron accumulation 6. Last evaluated: 2022-01-16. Review status: criteria provided, single submitter. Criteria: Invitae Variant Classification Sherloc (09022015). Collection method: clinical testing. Allele origin: germline.
Comment: In summary, the available evidence is currently insufficient to determine the role of this variant in disease. Therefore, it has been classified as a Variant of Uncertain Significance. Algorithms developed to predict the effect of missense changes on protein structure and function (SIFT, PolyPhen-2, Align-GVGD) all suggest that this variant is likely to be tolerated. This variant has not been reported in the literature in individuals affected with COASY-related conditions. This variant is present in population databases (rs754225451, gnomAD 0.03%). This sequence change replaces proline, which is neutral and non-polar, with leucine, which is neutral and non-polar, at codon 128 of the COASY protein (p.Pro128Leu).